The following is an entry in ClinVar:

NM_002087.4(GRN):c.1337A>G (p.Gln446Arg)

Gene: GRN (granulin precursor; plus strand). Cytogenetic location: 17q21.31.
Variant type: single nucleotide variant.
Coding change: c.1337A>G on transcript NM_002087.4 (MANE Select); coding-DNA position 1337, A replaced by G.
Protein change: p.Gln446Arg; replaces glutamine 446 with arginine.
Molecular consequence: missense variant.
Genome position (GRCh38, 1-based): chr17:44,352,172, A>G. VCF-style: chr17-44352172-A-G. GRCh37 (hg19) VCF-style: chr17-42429540-A-G.
Other names: short protein forms Q446R.
Identifiers: ClinVar variation 3763918 (VCV003763918.3).
Genomic context (GRCh38, chr17:44,352,172, plus strand): 5'-TGGAGAAGATGCCTGCCCGCCGGGCTTCCTTATCCCACCCCAGAGACATCGGCTGTGACC[A>G]GCACACCAGCTGCCCGGTGGGGCAGACCTGCTGCCCGAGCCTGGGTGGGAGCTGGGCCTG-3'
Protein context (NP_002078.1, residues 436-456): LSHPRDIGCD[Gln446Arg]HTSCPVGQTC

ClinVar aggregate classification (germline): Uncertain significance. Review status: criteria provided, multiple submitters, no conflicts (2 of 4 stars). 2 submissions from 2 submitters: Uncertain significance (2). Last evaluated 2024-09-29.

Conditions:
GRN-related frontotemporal lobar degeneration with Tdp43 inclusions (FTD2). Also called: DEMENTIA, HEREDITARY DYSPHASIC DISINHIBITION; FRONTOTEMPORAL LOBAR DEGENERATION WITH UBIQUITIN-POSITIVE INCLUSIONS; FTLD-TDP, GRN-RELATED; GRN Frontotemporal Dementia; FRONTOTEMPORAL DEMENTIA WITH TDP43 INCLUSIONS, GRN-RELATED. Identifiers: Orphanet 100070, Orphanet 282, MedGen C1843792, MONDO:0011842, OMIM 607485. Disease mechanism: loss of function.
Neuronal ceroid lipofuscinosis 11. Also called: GRN-Related Neuronal Ceroid-Lipofuscinosis. Identifiers: Orphanet 314629, Orphanet 79262, MedGen C3539123, MONDO:0013866, OMIM 614706.

Submissions (2):

Labcorp Genetics (formerly Invitae), Labcorp
Classification: Uncertain significance for Neuronal ceroid lipofuscinosis 11; GRN-related frontotemporal lobar degeneration with Tdp43 inclusions. Last evaluated: 2024-09-29. Review status: criteria provided, single submitter. Criteria: Invitae Variant Classification Sherloc (09022015). Collection method: clinical testing. Allele origin: germline.
Comment: This sequence change replaces glutamine, which is neutral and polar, with arginine, which is basic and polar, at codon 446 of the GRN protein (p.Gln446Arg). This variant is present in population databases (no rsID available, gnomAD 0.003%). This variant has not been reported in the literature in individuals affected with GRN-related conditions. Invitae Evidence Modeling of protein sequence and biophysical properties (such as structural, functional, and spatial information, amino acid conservation, physicochemical variation, residue mobility, and thermodynamic stability) indicates that this missense variant is expected to disrupt GRN protein function with a positive predictive value of 80%. In summary, the available evidence is currently insufficient to determine the role of this variant in disease. Therefore, it has been classified as a Variant of Uncertain Significance.

Blueprint Genetics
Classification: Uncertain significance. Last evaluated: 2018-09-27. Review status: criteria provided, single submitter. Criteria: ACMG Guidelines, 2015. Collection method: clinical testing. Allele origin: germline.